The following is an entry in ClinVar:

ClinVar aggregate classification (germline): Uncertain significance (1 of 4 stars; one submission).

Submission:

GeneDx
Classification: Uncertain significance. Last evaluated: 2019-11-25. Review status: criteria provided, single submitter. Criteria: GeneDx Variant Classification Process June 2021. Collection method: clinical testing. Allele origin: germline. Affected: yes.
Comment: Not observed in large population cohorts (Lek et al., 2016); In-frame insertion of 1 amino acid in a non-repeat region; Has not been previously published as pathogenic or benign to our knowledge

NM_020822.3(KCNT1):c.2389_2390insTAG (p.Tyr796_Gly797insVal)

Gene: KCNT1 (potassium sodium-activated channel subfamily T member 1; plus strand). Cytogenetic location: 9q34.3.
Variant type: Insertion.
Coding change: c.2389_2390insTAG on transcript NM_020822.3 (MANE Select); coding-DNA positions 2389 to 2390, TAG inserted.
Protein change: p.Tyr796_Gly797insVal.
Molecular consequence: inframe insertion.
Genome position: GRCh38 VCF-style: chr9-135777376-C-CGTA. GRCh37 (hg19) VCF-style: chr9-138669222-C-CGTA.
Other names: c.2254_2255insTAG, p.Tyr751_Gly752insVal (NM_001272003.2).
Identifiers: ClinVar variation 1310551 (VCV001310551.2), dbSNP rs2131543497, ClinGen allele CA2573053137.
Genomic context (GRCh38, chr9:135,777,376, plus strand): 5'-TGACTCCAGCATCTGCCCCCAGGGCTGCAAGCACAACAGCTATGAAGACGCCAAGGCCTA[C>CGTA]GGGTTCAAGAACAAGCTGATCATCGTCTCGGCAGAGACGGCCGGCAATGGGCTGTACAAC-3'